The following is an entry in ClinVar:

ClinVar aggregate classification (germline): Uncertain significance. Review status: criteria provided, multiple submitters, no conflicts (2 of 4 stars). 2 submissions from 2 submitters: Uncertain significance (2). Last evaluated 2025-08-10.

Conditions:
Inborn genetic diseases. Identifiers: MedGen C0950123, MeSH D030342.
Brachyolmia-amelogenesis imperfecta syndrome. Also called: PLATYSPONDYLY WITH AMELOGENESIS IMPERFECTA; Tooth agenesis, selective, 6; Dental anomalies and short stature. Identifiers: Orphanet 2899, MedGen C1832594, MONDO:0011018, OMIM 601216. Disease mechanism: loss of function.

Allele frequency attached by ClinVar (database versions not stated): gnomAD exomes 0.00001 and 0.00002; gnomAD 0.00011 and 0.00013; TOPMed 0.00011; 1000 Genomes Project 30x 0.00016.
gnomAD v4.1: 30 of 1,526,834 alleles (0.002%); highest among the groups gnomAD compares: African/African-American, 0.037%; no homozygotes.

Submissions (2):

Ambry Genetics
Classification: Uncertain significance for Inborn genetic diseases. Last evaluated: 2025-08-10. Review status: criteria provided, single submitter. Criteria: Ambry Variant Classification Scheme 2023. Collection method: clinical testing. Allele origin: germline.

Labcorp Genetics (formerly Invitae), Labcorp
Classification: Uncertain significance for Brachyolmia-amelogenesis imperfecta syndrome. Last evaluated: 2025-04-17. Review status: criteria provided, single submitter. Criteria: Invitae Variant Classification Sherloc (09022015). Collection method: clinical testing. Allele origin: germline.
Comment: This sequence change replaces proline, which is neutral and non-polar, with leucine, which is neutral and non-polar, at codon 1101 of the LTBP3 protein (p.Pro1101Leu). This variant is present in population databases (no rsID available, gnomAD 0.04%). This variant has not been reported in the literature in individuals affected with LTBP3-related conditions. ClinVar contains an entry for this variant (Variation ID: 1405279). An algorithm developed to predict the effect of missense changes on protein structure and function (PolyPhen-2) suggests that this variant is likely to be tolerated. In summary, the available evidence is currently insufficient to determine the role of this variant in disease. Therefore, it has been classified as a Variant of Uncertain Significance.

NM_001130144.3(LTBP3):c.3302C>T (p.Pro1101Leu)

Gene: LTBP3 (latent transforming growth factor beta binding protein 3; minus strand). Cytogenetic location: 11q13.1.
Variant type: single nucleotide variant.
Coding change: c.3302C>T on transcript NM_001130144.3 (MANE Select); coding-DNA position 3302, C replaced by T.
Protein change: p.Pro1101Leu; replaces proline 1101 with leucine.
Molecular consequence: missense variant. On other transcripts: intron variant (2).
Genome position (GRCh38, 1-based): chr11:65,540,096, G>A on the plus strand (C>T on the coding strand, the complement: LTBP3 is on the minus strand). VCF-style: chr11-65540096-G-A. GRCh37 (hg19) VCF-style: chr11-65307567-G-A.
Other names: c.2893+149C>T (NM_001164266.1); c.3244+149C>T (NM_021070.4); short protein forms P1101L.
Identifiers: ClinVar variation 1405279 (VCV001405279.9), dbSNP rs959390214, ClinGen allele CA224009073.